The following is an entry in ClinVar:

NM_000238.4(KCNH2):c.2692+14G>A

Gene: KCNH2 (potassium voltage-gated channel subfamily H member 2; minus strand). Cytogenetic location: 7q36.1.
Variant type: single nucleotide variant.
Coding change: c.2692+14G>A on transcript NM_000238.4 (MANE Select); 14 bases into the intron after coding-DNA position 2692, G replaced by A.
Molecular consequence: intron variant.
Genome position (GRCh38, 1-based): chr7:150,948,430, C>T on the plus strand (G>A on the coding strand, the complement: KCNH2 is on the minus strand). VCF-style: chr7-150948430-C-T. GRCh37 (hg19) VCF-style: chr7-150645518-C-T.
Other names: c.1672+14G>A (NM_172057.3).
Identifiers: ClinVar variation 507172 (VCV000507172.8), dbSNP rs774170513, ClinGen allele CA578701732.
Genomic context (GRCh38, chr7:150,948,430, plus strand): 5'-CGGCCCACCCCGCCTTCCAGCTCCCAGCCTCACCTTGTCCCCGCCCTCCCCCTTCCTCCC[C>T]TCCCCCGCCTCACCCTTGTCCGTGCGCCTGCGGAAGGACAACTTGCGCTTGCGTTGCCGA-3'

ClinVar aggregate classification (germline): Likely benign. Review status: criteria provided, multiple submitters, no conflicts (2 of 4 stars). 2 submissions from 2 submitters: Likely benign (2). Last evaluated 2026-01-31.

Conditions:
Long QT syndrome (LQTS). Identifiers: MedGen C0023976, MeSH D008133, MONDO:0002442. Disease mechanism: loss of function. Inheritance: Various modes of inheritance.

Allele frequency attached by ClinVar (database versions not stated): gnomAD exomes below 0.00001; gnomAD 0.00001; TOPMed 0.00001.

Submissions (2):

Labcorp Genetics (formerly Invitae), Labcorp
Classification: Likely benign for Long QT syndrome. Last evaluated: 2026-01-31. Review status: criteria provided, single submitter. Criteria: Invitae Variant Classification Sherloc (09022015). Collection method: clinical testing. Allele origin: germline.

GeneDx
Classification: Likely benign. Last evaluated: 2017-05-23. Review status: criteria provided, single submitter. Criteria: GeneDx Variant Classification (06012015). Collection method: clinical testing. Allele origin: germline. Affected: yes.
Comment: This variant is considered likely benign or benign based on one or more of the following criteria: it is a conservative change, it occurs at a poorly conserved position in the protein, it is predicted to be benign by multiple in silico algorithms, and/or has population frequency not consistent with disease.